The following is an entry in ClinVar:

ClinVar aggregate classification (germline): Pathogenic (1 of 4 stars; one submission).

Submission:

Labcorp Genetics (formerly Invitae), Labcorp
Classification: Pathogenic. Last evaluated: 2023-03-26. Review status: criteria provided, single submitter. Criteria: Invitae Variant Classification Sherloc (09022015). Collection method: clinical testing. Allele origin: unknown.
Comment: For these reasons, this variant has been classified as Pathogenic. This variant has not been reported in the literature in individuals affected with COL4A4-related conditions. This variant is a gross deletion of the genomic region encompassing exon(s) 2-3 of the COL4A4 gene, which includes the initiator codon. This deletion extends beyond the assayed region for this gene and therefore may encompass additional genes. It is expected to result in an absent or disrupted protein product. Loss-of-function variants in COL4A4 are known to be pathogenic (PMID: 21196518, 24854265, 25307543).

Literature cited by the submitters: PubMed 21196518; PubMed 24854265; PubMed 25307543.

NC_000002.11:g.(?_228009212)_(228012222_?)del

Gene: COL4A4 (collagen type IV alpha 4 chain; minus strand). Cytogenetic location: 2q36.3.
Variant type: Deletion.
Identifiers: ClinVar variation 3247450 (VCV003247450.1).